The following is an entry in ClinVar:

ClinVar aggregate classification (germline): Uncertain significance. Review status: criteria provided, multiple submitters, no conflicts (2 of 4 stars). 4 submissions from 4 submitters: Uncertain significance (3). 1 of the submissions does not count toward it. Last evaluated 2025-10-01.

Conditions:
Retinal dystrophy. Also called: Inherited retinal dystrophy. Identifiers: Orphanet 71862, MedGen C0854723, MeSH D058499, MONDO:0019118, HP:0000556.
BBS4-related disorder. Also called: BBS4-related condition.
Bardet-Biedl syndrome (BBS). Identifiers: Orphanet 110, MedGen C0752166, MONDO:0015229.

Allele frequency attached by ClinVar (database versions not stated): TOPMed below 0.00001; gnomAD exomes 0.00001; ExAC 0.00006; ESP Exome Variant Server 0.00008.
gnomAD v4.1: 19 of 1,611,534 alleles (0.0012%); highest among the groups gnomAD compares: South Asian, 0.0066%; no homozygotes.

Submissions (5):

PreventionGenetics, part of Exact Sciences
Classification: Uncertain significance for BBS4-related condition. Last evaluated: 2025-10-01. Review status: criteria provided, single submitter. Criteria: ACMG Guidelines, 2015. Collection method: clinical testing. Allele origin: germline.
Comment: The BBS4 c.1456G>A variant is predicted to result in the amino acid substitution p.Gly486Arg. To our knowledge, this variant has not been reported in the literature. This variant is reported in 0.0071% of alleles in individuals of European (Non-Finnish) descent in gnomAD. At this time, the clinical significance of this variant is uncertain due to the absence of conclusive functional and genetic evidence.

Blueprint Genetics
Classification: Uncertain significance. Last evaluated: 2024-10-23. Review status: criteria provided, single submitter. Criteria: ACMG Guidelines, 2015. Collection method: clinical testing. Allele origin: germline.

Labcorp Genetics (formerly Invitae), Labcorp
Classification: Uncertain significance for Bardet-Biedl syndrome. Last evaluated: 2022-04-11. Review status: criteria provided, single submitter. Criteria: Invitae Variant Classification Sherloc (09022015). Collection method: clinical testing. Allele origin: germline.
Comment: This sequence change replaces glycine, which is neutral and non-polar, with arginine, which is basic and polar, at codon 486 of the BBS4 protein (p.Gly486Arg). This variant is present in population databases (rs141373654, gnomAD 0.005%). This variant has not been reported in the literature in individuals affected with BBS4-related conditions. Algorithms developed to predict the effect of missense changes on protein structure and function (SIFT, PolyPhen-2, Align-GVGD) all suggest that this variant is likely to be tolerated. In summary, the available evidence is currently insufficient to determine the role of this variant in disease. Therefore, it has been classified as a Variant of Uncertain Significance.

Institute of Human Genetics, Univ. Regensburg, Univ. Regensburg
Classification: Uncertain significance for Retinal dystrophy. Last evaluated: 2023-01-01. Review status: no assertion criteria provided. Criteria: ACMG Guidelines, 2015. Collection method: clinical testing. Allele origin: germline. Affected: yes. Not counted in ClinVar's aggregate classification.

Dr. Peter K. Rogan Lab, Western University
No classification provided (evidence only). Condition: Colon adenocarcinoma. Review status: no classification provided. Collection method: in vitro. Allele origin: not applicable. Functional consequence: retained intron. Not counted in ClinVar's aggregate classification.

NM_033028.5(BBS4):c.1456G>A (p.Gly486Arg)

Gene: BBS4 (Bardet-Biedl syndrome 4; plus strand). Cytogenetic location: 15q24.1.
Variant type: single nucleotide variant.
Coding change: c.1456G>A on transcript NM_033028.5 (MANE Select); coding-DNA position 1456, G replaced by A.
Protein change: p.Gly486Arg; replaces glycine 486 with arginine.
Molecular consequence: missense variant. On other transcripts: non-coding transcript variant (2).
Genome position (GRCh38, 1-based): chr15:72,737,483, G>A. VCF-style: chr15-72737483-G-A. GRCh37 (hg19) VCF-style: chr15-73029824-G-A.
Other names: c.1456G>A (NM_033028.4); c.940G>A, p.Gly314Arg (NM_001252678.2); c.1387G>A, p.Gly463Arg (NM_001320665.2); short protein forms G463R, G486R, G314R.
Identifiers: ClinVar variation 1897155 (VCV001897155.6), dbSNP rs141373654, ClinGen allele CA7647052.